The following is an entry in ClinVar:

ClinVar aggregate classification (germline): Uncertain significance (1 of 4 stars; one submission).

Conditions:
Atypical hemolytic-uremic syndrome. Identifiers: Orphanet 2134, MedGen C2931788, MONDO:0016244.

gnomAD v4.1: 1 of 1,612,812 alleles (0.000062%); highest among the groups gnomAD compares: South Asian, 0.0011%; no homozygotes.

Submission:

Genomenon, Inc
Classification: Uncertain significance for Atypical hemolytic-uremic syndrome. Last evaluated: 2025-10-02. Review status: criteria provided, single submitter. Criteria: Genomenon Sequence Variant Interpretation Standards. Collection method: curation. Allele origin: germline. Affected: no.
Comment: CD46 p.Pro193Ala (c.577C>G) is a missense variant that changes the amino acid at residue 193 from Proline to Alanine. This variant has been reported in the published literature (PMID:10960475). It is absent or not present at a significant frequency in gnomAD. In silico models agree that this variant is not damaging. In conclusion, we classify CD46 p.Pro193Ala (c.577C>G) as a variant of uncertain significance.

Literature cited by the submitters: PubMed 10960475.

NM_172351.3(CD46):c.577C>G (p.Pro193Ala)

Gene: CD46 (CD46 molecule; plus strand). Cytogenetic location: 1q32.2.
Variant type: single nucleotide variant.
Coding change: c.577C>G on transcript NM_172351.3 (MANE Select); coding-DNA position 577, C replaced by G.
Protein change: p.Pro193Ala; replaces proline 193 with alanine.
Molecular consequence: missense variant.
Genome position (GRCh38, 1-based): chr1:207,761,350, C>G. VCF-style: chr1-207761350-C-G. GRCh37 (hg19) VCF-style: chr1-207934695-C-G.
Other names: c.577C>G, p.Pro193Ala (NM_002389.4, NM_153826.4, NM_172350.3 and 8 more transcripts); short protein forms P193A.
Identifiers: ClinVar variation 4291155 (VCV004291155.1).